The following is an entry in ClinVar:

ClinVar aggregate classification (germline): Pathogenic. Review status: criteria provided, multiple submitters, no conflicts (2 of 4 stars). 2 submissions from 2 submitters: Pathogenic (2). Last evaluated 2025-08-06.

Conditions:
Hereditary cancer-predisposing syndrome. Also called: Tumor predisposition; Hereditary neoplastic syndrome; Hereditary Cancer Syndrome; Neoplastic Syndromes, Hereditary. Identifiers: Orphanet 140162, MedGen C0027672, MeSH D009386, MONDO:0015356.
Hereditary breast ovarian cancer syndrome. Also called: Hereditary breast and ovarian cancer; Breast and ovarian cancer; Hereditary breast and ovarian cancer syndrome; BRCA1- and BRCA2-Associated Hereditary Breast and Ovarian Cancer; Hereditary breast and/or ovarian cancer syndrome; Hereditary breast and ovarian cancer syndrome (HBOC). Identifiers: Orphanet 145, MedGen C0677776, MeSH D061325, MONDO:0003582. Disease mechanism: loss of function.

Submissions (2):

Ambry Genetics
Classification: Pathogenic for Hereditary cancer-predisposing syndrome. Last evaluated: 2025-08-06. Review status: criteria provided, single submitter. Criteria: Ambry Variant Classification Scheme 2023. Collection method: clinical testing. Allele origin: germline.
Comment: The c.8426delT pathogenic mutation, located in coding exon 18 of the BRCA2 gene, results from a deletion of one nucleotide at nucleotide position 8426, causing a translational frameshift with a predicted alternate stop codon (p.F2809Sfs*12). This variant is considered to be rare based on population cohorts in the Genome Aggregation Database (gnomAD). This alteration is expected to result in loss of function by premature protein truncation or nonsense-mediated mRNA decay. As such, this alteration is interpreted as a disease-causing mutation.

Labcorp Genetics (formerly Invitae), Labcorp
Classification: Pathogenic for Hereditary breast ovarian cancer syndrome. Last evaluated: 2018-01-02. Review status: criteria provided, single submitter. Criteria: Invitae Variant Classification Sherloc (09022015). Collection method: clinical testing. Allele origin: germline.
Comment: This variant has not been reported in the literature in individuals with BRCA2-related disease. Loss-of-function variants in BRCA2 are known to be pathogenic (PMID: 20104584). For these reasons, this variant has been classified as Pathogenic. This sequence change creates a premature translational stop signal (p.Phe2809Serfs*12) in the BRCA2 gene. It is expected to result in an absent or disrupted protein product.

Literature cited by the submitters: PubMed 20104584 (cited by Labcorp Genetics (formerly Invitae), Labcorp).

NM_000059.4(BRCA2):c.8426del (p.Phe2809fs)

Gene: BRCA2 (BRCA2 DNA repair associated; plus strand). Cytogenetic location: 13q13.1.
Variant type: Deletion.
Coding change: c.8426del on transcript NM_000059.4 (MANE Select); coding-DNA position 8426, one base deleted (T; older notation c.8426delT).
Protein change: p.Phe2809fs; shifts the reading frame from phenylalanine 2809.
Molecular consequence: frameshift variant.
Genome position (GRCh38, 1-based): chr13:32,370,496, T deleted; the last of 4 consecutive T bases (chr13:32,370,493-32,370,496); deleting any one gives the same sequence. VCF-style (leftmost placement, unchanged base first): chr13-32370492-CT-C. GRCh37 (hg19) VCF-style: chr13-32944629-CT-C.
Other names: c.8426delT (NM_000059.3); short protein forms F2809fs.
Identifiers: ClinVar variation 578308 (VCV000578308.10), dbSNP rs1555287643, ClinGen allele CA891843896.